The following is an entry in ClinVar:

NM_147127.5(EVC2):c.434C>T (p.Pro145Leu)

Gene: EVC2 (EvC ciliary complex subunit 2; minus strand). Cytogenetic location: 4p16.2.
Variant type: single nucleotide variant.
Coding change: c.434C>T on transcript NM_147127.5 (MANE Select); coding-DNA position 434, C replaced by T.
Protein change: p.Pro145Leu; replaces proline 145 with leucine.
Molecular consequence: missense variant.
Genome position (GRCh38, 1-based): chr4:5,694,351, G>A on the plus strand (C>T on the coding strand, the complement: EVC2 is on the minus strand). VCF-style: chr4-5694351-G-A. GRCh37 (hg19) VCF-style: chr4-5696078-G-A.
Other names: c.194C>T, p.Pro65Leu (NM_001166136.2); short protein forms P145L, P65L.
Identifiers: ClinVar variation 2083755 (VCV002083755.4), dbSNP rs369955469, ClinGen allele CA356150266.

ClinVar aggregate classification (germline): Uncertain significance (1 of 4 stars; one submission).

Conditions:
Curry-Hall syndrome (WAD). Also called: WEYERS ACRODENTAL DYSOSTOSIS. Identifiers: Orphanet 952, MedGen C0457013, MONDO:0008673, OMIM 193530.
Ellis-van Creveld syndrome (EVC). Also called: EVC2-Related Ellis-van Creveld Syndrome; EVC-Related Ellis-van Creveld Syndrome; Chondroectodermal dysplasia; MESOECTODERMAL DYSPLASIA. Identifiers: Orphanet 289, MedGen C0013903, MONDO:0009162, OMIM 225500.

Submission:

Labcorp Genetics (formerly Invitae), Labcorp
Classification: Uncertain significance for Curry-Hall syndrome; Ellis-van Creveld syndrome. Last evaluated: 2022-01-15. Review status: criteria provided, single submitter. Criteria: Invitae Variant Classification Sherloc (09022015). Collection method: clinical testing. Allele origin: germline.
Comment: In summary, the available evidence is currently insufficient to determine the role of this variant in disease. Therefore, it has been classified as a Variant of Uncertain Significance. Algorithms developed to predict the effect of missense changes on protein structure and function are either unavailable or do not agree on the potential impact of this missense change (SIFT: "Deleterious"; PolyPhen-2: "Benign"; Align-GVGD: "Class C0"). This variant has not been reported in the literature in individuals affected with EVC2-related conditions. This variant is not present in population databases (gnomAD no frequency). This sequence change replaces proline, which is neutral and non-polar, with leucine, which is neutral and non-polar, at codon 145 of the EVC2 protein (p.Pro145Leu).